The following is an entry in ClinVar:

ClinVar aggregate classification (germline): Uncertain significance (1 of 4 stars; one submission).

Conditions:
LEPR-related disorder. Also called: LEPR-related condition; LEPR-related disorders.

Submission:

PreventionGenetics, part of Exact Sciences
Classification: Uncertain significance for LEPR-related condition. Last evaluated: 2026-02-05. Review status: criteria provided, single submitter. Criteria: ACMG Guidelines, 2015. Collection method: clinical testing. Allele origin: germline.
Comment: The LEPR c.340A>G variant is predicted to result in the amino acid substitution p.Thr114Ala. This variant was observed in a cohort of individuals with obesity, and in vitro functional studies showed function similar to wild-type levels (Supplemental Data Set, Shah et al. 2023. PubMed ID: 36864747). At this time, the clinical significance of this variant is uncertain due to the absence of conclusive functional and genetic evidence.

NM_002303.6(LEPR):c.340A>G (p.Thr114Ala)

Gene: LEPR (leptin receptor; plus strand). Cytogenetic location: 1p31.3.
Variant type: single nucleotide variant.
Coding change: c.340A>G on transcript NM_002303.6 (MANE Select); coding-DNA position 340, A replaced by G.
Protein change: p.Thr114Ala; replaces threonine 114 with alanine.
Molecular consequence: missense variant.
Genome position (GRCh38, 1-based): chr1:65,570,772, A>G. VCF-style: chr1-65570772-A-G. GRCh37 (hg19) VCF-style: chr1-66036455-A-G.
Other names: c.340A>G, p.Thr114Ala (NM_001003679.3, NM_001003680.3, NM_001198687.2 and 2 more transcripts); short protein forms T114A.
Identifiers: ClinVar variation 2629393 (VCV002629393.4), dbSNP rs2526437469, ClinGen allele CA340673137.